The following is an entry in ClinVar:

NM_020774.4(MIB1):c.2080A>G (p.Ile694Val)

Gene: MIB1 (MIB E3 ubiquitin protein ligase 1; plus strand). Cytogenetic location: 18q11.2.
Variant type: single nucleotide variant.
Coding change: c.2080A>G on transcript NM_020774.4 (MANE Select); coding-DNA position 2080, A replaced by G.
Protein change: p.Ile694Val; replaces isoleucine 694 with valine.
Molecular consequence: missense variant.
Genome position (GRCh38, 1-based): chr18:21,844,122, A>G. VCF-style: chr18-21844122-A-G. GRCh37 (hg19) VCF-style: chr18-19424083-A-G.
Other names: short protein forms I694V.
Identifiers: ClinVar variation 4107602 (VCV004107602.1).

ClinVar aggregate classification (germline): Uncertain significance (1 of 4 stars; one submission).

Conditions:
Inborn genetic diseases. Identifiers: MedGen C0950123, MeSH D030342.

gnomAD v4.1: 1 of 1,614,070 alleles (0.000062%); highest among the groups gnomAD compares: South Asian, 0.0011%; no homozygotes.

Submission:

Ambry Genetics
Classification: Uncertain significance for Inborn genetic diseases. Last evaluated: 2025-08-24. Review status: criteria provided, single submitter. Criteria: Ambry Variant Classification Scheme 2023. Collection method: clinical testing. Allele origin: germline.
Comment: The p.I694V variant (also known as c.2080A>G), located in coding exon 15 of the MIB1 gene, results from an A to G substitution at nucleotide position 2080. The isoleucine at codon 694 is replaced by valine, an amino acid with highly similar properties. This amino acid position is conserved. In addition, this alteration is predicted to be tolerated by in silico analysis. Based on the available evidence, the clinical significance of this variant remains unclear.